The following is an entry in ClinVar:

NM_152703.5(SAMD9L):c.539A>G (p.His180Arg)

Gene: SAMD9L (sterile alpha motif domain containing 9 like; minus strand). Cytogenetic location: 7q21.2.
Variant type: single nucleotide variant.
Coding change: c.539A>G on transcript NM_152703.5 (MANE Select); coding-DNA position 539, A replaced by G.
Protein change: p.His180Arg; replaces histidine 180 with arginine.
Molecular consequence: missense variant.
Genome position (GRCh38, 1-based): chr7:93,135,433, T>C on the plus strand (A>G on the coding strand, the complement: SAMD9L is on the minus strand). VCF-style: chr7-93135433-T-C. GRCh37 (hg19) VCF-style: chr7-92764746-T-C.
Other names: c.539A>G, p.His180Arg (NM_001303496.3, NM_001303497.3, NM_001303498.3 and 5 more transcripts); short protein forms H180R.
Identifiers: ClinVar variation 3792371 (VCV003792371.1).
Genomic context (GRCh38, chr7:93,135,433, plus strand): 5'-TTGAACTCATGTATTGGATCAATGAGATTGAGTGCTCCTGTTTCAGGTTGTAGAGTATAA[T>C]GTTCTATGTAGCGATGGCTGTCATGGAACTGATCAAAAGGATATGGCATACAAGTCAATT-3'
Protein context (NP_689916.2, residues 170-190): QFHDSHRYIE[His180Arg]YTLQPETGAL

ClinVar aggregate classification (germline): Uncertain significance (1 of 4 stars; one submission).

Conditions:
Inborn genetic diseases. Identifiers: MedGen C0950123, MeSH D030342.

gnomAD v4.1: 3 of 1,614,194 alleles (0.00019%); highest among the groups gnomAD compares: Non-Finnish European, 0.00025%; no homozygotes.

Submission:

Ambry Genetics
Classification: Uncertain significance for Inborn genetic diseases. Last evaluated: 2025-01-31. Review status: criteria provided, single submitter. Criteria: Ambry Variant Classification Scheme 2023. Collection method: clinical testing. Allele origin: germline.
Comment: The p.H180R variant (also known as c.539A>G), located in coding exon 1 of the SAMD9L gene, results from an A to G substitution at nucleotide position 539. The histidine at codon 180 is replaced by arginine, an amino acid with highly similar properties. This amino acid position is conserved. In addition, this alteration is predicted to be tolerated by in silico analysis. Based on the available evidence, the clinical significance of this variant remains unclear.